The following is an entry in ClinVar:

NM_152564.5(VPS13B):c.10710G>T (p.Leu3570Phe)

Gene: VPS13B (vacuolar protein sorting 13 homolog B; plus strand). Cytogenetic location: 8q22.2.
Variant type: single nucleotide variant.
Coding change: c.10710G>T on transcript NM_152564.5 (MANE Select); coding-DNA position 10710, G replaced by T.
Protein change: p.Leu3570Phe; replaces leucine 3570 with phenylalanine.
Molecular consequence: missense variant.
Genome position (GRCh38, 1-based): chr8:99,854,099, G>T. VCF-style: chr8-99854099-G-T. GRCh37 (hg19) VCF-style: chr8-100866327-G-T.
Other names: c.10785G>T, p.Leu3595Phe (NM_017890.5); c.10710G>T (NM_152564.4); c.10785G>T (NM_017890.3); short protein forms L3570F, L3595F.
Identifiers: ClinVar variation 966030 (VCV000966030.7), dbSNP rs753058180, ClinGen allele CA4825004.

ClinVar aggregate classification (germline): Uncertain significance. Review status: criteria provided, multiple submitters, no conflicts (2 of 4 stars). 4 submissions from 4 submitters: Uncertain significance (2). 2 of the submissions do not count toward it. Last evaluated 2024-05-07.

Conditions:
VPS13B-related disorder. Also called: VPS13B-related condition.
Inborn genetic diseases. Identifiers: MedGen C0950123, MeSH D030342.
Cohen syndrome (COH1). Also called: Cutis verticis gyrata, retinitis pigmentosa, and sensorineural deafness; PEPPER SYNDROME. Identifiers: Orphanet 193, MedGen C0265223, MONDO:0008999, OMIM 216550.

Allele frequency attached by ClinVar (database versions not stated): ExAC 0.00001; gnomAD 0.00001; TOPMed 0.00001; gnomAD exomes 0.00002.
gnomAD v4.1: 10 of 1,612,624 alleles (0.00062%); highest among the groups gnomAD compares: Admixed American, 0.015%; no homozygotes.

Submissions (4):

Ambry Genetics
Classification: Uncertain significance for Inborn genetic diseases. Last evaluated: 2024-05-07. Review status: criteria provided, single submitter. Criteria: Ambry Variant Classification Scheme 2023. Collection method: clinical testing. Allele origin: germline.

Labcorp Genetics (formerly Invitae), Labcorp
Classification: Uncertain significance for Cohen syndrome. Last evaluated: 2022-10-02. Review status: criteria provided, single submitter. Criteria: Invitae Variant Classification Sherloc (09022015). Collection method: clinical testing. Allele origin: germline.
Comment: This sequence change replaces leucine, which is neutral and non-polar, with phenylalanine, which is neutral and non-polar, at codon 3595 of the VPS13B protein (p.Leu3595Phe). This variant is present in population databases (rs753058180, gnomAD 0.01%). This variant has not been reported in the literature in individuals affected with VPS13B-related conditions. ClinVar contains an entry for this variant (Variation ID: 966030). Advanced modeling of protein sequence and biophysical properties (such as structural, functional, and spatial information, amino acid conservation, physicochemical variation, residue mobility, and thermodynamic stability) performed at Invitae indicates that this missense variant is expected to disrupt VPS13B protein function. In summary, the available evidence is currently insufficient to determine the role of this variant in disease. Therefore, it has been classified as a Variant of Uncertain Significance.

PreventionGenetics, part of Exact Sciences
Classification: Uncertain significance for VPS13B-related condition. Last evaluated: 2024-03-08. Review status: no assertion criteria provided. Collection method: clinical testing. Allele origin: germline. Not counted in ClinVar's aggregate classification.
Comment: The VPS13B c.10710G>T variant is predicted to result in the amino acid substitution p.Leu3570Phe. To our knowledge, this variant has not been reported in the literature. This variant is reported in 0.017% of alleles in individuals of Latino descent in gnomAD. At this time, the clinical significance of this variant is uncertain due to the absence of conclusive functional and genetic evidence.

Natera, Inc.
Classification: Uncertain significance for Cohen syndrome. Last evaluated: 2021-02-04. Review status: no assertion criteria provided. Collection method: clinical testing. Allele origin: germline. Not counted in ClinVar's aggregate classification.